The following is an entry in ClinVar:

ClinVar aggregate classification (germline): Pathogenic (1 of 4 stars; one submission).

Conditions:
Niemann-Pick disease, type C1. Also called: NIEMANN-PICK DISEASE, VARIANT TYPE C1; NEUROVISCERAL STORAGE DISEASE WITH VERTICAL SUPRANUCLEAR OPHTHALMOPLEGIA; NIEMANN-PICK DISEASE WITH CHOLESTEROL ESTERIFICATION BLOCK; NIEMANN-PICK DISEASE WITHOUT SPHINGOMYELINASE DEFICIENCY; NIEMANN-PICK DISEASE, CHRONIC NEURONOPATHIC FORM. Identifiers: Orphanet 646, MedGen C3179455, MONDO:0009757, OMIM 257220.

Submission:

Labcorp Genetics (formerly Invitae), Labcorp
Classification: Pathogenic for Niemann-Pick disease, type C1. Last evaluated: 2022-04-26. Review status: criteria provided, single submitter. Criteria: Invitae Variant Classification Sherloc (09022015). Collection method: clinical testing. Allele origin: germline.
Comment: This sequence change creates a premature translational stop signal (p.Gln60*) in the NPC1 gene. It is expected to result in an absent or disrupted protein product. Loss-of-function variants in NPC1 are known to be pathogenic (PMID: 9211850). This variant is not present in population databases (gnomAD no frequency). This premature translational stop signal has been observed in individual(s) with Niemann-Pick type C (PMID: 33947371). Algorithms developed to predict the effect of sequence changes on RNA splicing suggest that this variant may create or strengthen a splice site. For these reasons, this variant has been classified as Pathogenic.

Literature cited by the submitters: PubMed 9211850; PubMed 33947371.

NM_000271.5(NPC1):c.178C>T (p.Gln60Ter)

Gene: NPC1 (NPC intracellular cholesterol transporter 1; minus strand). Cytogenetic location: 18q11.2.
Variant type: single nucleotide variant.
Coding change: c.178C>T on transcript NM_000271.5 (MANE Select); coding-DNA position 178, C replaced by T.
Protein change: p.Gln60Ter; replaces glutamine 60 with a stop codon.
Molecular consequence: nonsense.
Genome position (GRCh38, 1-based): chr18:23,573,454, G>A on the plus strand (C>T on the coding strand, the complement: NPC1 is on the minus strand). VCF-style: chr18-23573454-G-A. GRCh37 (hg19) VCF-style: chr18-21153418-G-A.
Other names: short protein forms Q60*.
Identifiers: ClinVar variation 2099123 (VCV002099123.5), dbSNP rs2511357416, ClinGen allele CA401787318.
Genomic context (GRCh38, chr18:23,573,454, plus strand): 5'-TACAGAGGATCTTGTGATCAGCATTTTGTGTTCCCAGTGCCTAAGATAATGAACTTACCT[G>A]CACTAAGTCATATCCATCCTTTGGCAATGGTTTTGGTGGGCCAGAATATTCGCAATTGTA-3'